The following is an entry in ClinVar:

ClinVar aggregate classification (germline): Uncertain significance. Review status: criteria provided, multiple submitters, no conflicts (2 of 4 stars). 3 submissions from 3 submitters: Uncertain significance (2). 1 of the submissions does not count toward it. Last evaluated 2020-12-09.

Conditions:
Alstrom syndrome (ALMS). Identifiers: Orphanet 64, MedGen C0268425, MONDO:0008763, OMIM 203800.

gnomAD v4.1: 1 of 1,614,076 alleles (0.000062%); no homozygotes.

Submissions (3):

GeneDx
Classification: Uncertain significance. Last evaluated: 2020-12-09. Review status: criteria provided, single submitter. Criteria: GeneDx Variant Classification Process June 2021. Collection method: clinical testing. Allele origin: germline. Affected: yes.
Comment: Not observed in large population cohorts (Lek et al., 2016); In silico analysis supports that this missense variant has a deleterious effect on protein structure/function; Has not been previously published as pathogenic or benign to our knowledge

Labcorp Genetics (formerly Invitae), Labcorp
Classification: Uncertain significance for Alstrom syndrome. Last evaluated: 2020-12-06. Review status: criteria provided, single submitter. Criteria: Invitae Variant Classification Sherloc (09022015). Collection method: clinical testing. Allele origin: germline.
Comment: This sequence change replaces histidine with arginine at codon 594 of the ALMS1 protein (p.His594Arg). The histidine residue is weakly conserved and there is a small physicochemical difference between histidine and arginine. This variant is not present in population databases (ExAC no frequency). This variant has not been reported in the literature in individuals with ALMS1-related conditions. Experimental studies and prediction algorithms are not available or were not evaluated, and the functional significance of this variant is currently unknown. In summary, the available evidence is currently insufficient to determine the role of this variant in disease. Therefore, it has been classified as a Variant of Uncertain Significance.

Natera, Inc.
Classification: Uncertain significance for Alstrom syndrome. Last evaluated: 2021-01-05. Review status: no assertion criteria provided. Collection method: clinical testing. Allele origin: germline. Not counted in ClinVar's aggregate classification.

NM_001378454.1(ALMS1):c.1778A>G (p.His593Arg)

Gene: ALMS1 (ALMS1 centrosome and basal body associated protein; plus strand). Cytogenetic location: 2p13.1.
Variant type: single nucleotide variant.
Coding change: c.1778A>G on transcript NM_001378454.1 (MANE Select); coding-DNA position 1778, A replaced by G.
Protein change: p.His593Arg; replaces histidine 593 with arginine.
Molecular consequence: missense variant.
Genome position (GRCh38, 1-based): chr2:73,448,305, A>G. VCF-style: chr2-73448305-A-G. GRCh37 (hg19) VCF-style: chr2-73675432-A-G.
Other names: c.1781A>G, p.His594Arg (NM_015120.4); short protein forms H593R, H594R.
Identifiers: ClinVar variation 1205509 (VCV001205509.7), dbSNP rs2103772175, ClinGen allele CA347265383.